The following is an entry in ClinVar:

ClinVar aggregate classification (germline): Likely pathogenic (1 of 4 stars; one submission).

Submission:

Labcorp Genetics (formerly Invitae), Labcorp
Classification: Likely pathogenic. Last evaluated: 2024-01-29. Review status: criteria provided, single submitter. Criteria: Invitae Variant Classification Sherloc (09022015). Collection method: clinical testing. Allele origin: germline.
Comment: This sequence change affects a donor splice site in intron 17 of the DOCK6 gene. It is expected to disrupt RNA splicing. Variants that disrupt the donor or acceptor splice site typically lead to a loss of protein function (PMID: 16199547), and loss-of-function variants in DOCK6 are known to be pathogenic (PMID: 21820096, 25824905). This variant is not present in population databases (gnomAD no frequency). This variant has not been reported in the literature in individuals affected with DOCK6-related conditions. Algorithms developed to predict the effect of sequence changes on RNA splicing suggest that this variant may disrupt the consensus splice site. In summary, the currently available evidence indicates that the variant is pathogenic, but additional data are needed to prove that conclusively. Therefore, this variant has been classified as Likely Pathogenic.

Literature cited by the submitters: PubMed 16199547; PubMed 21820096; PubMed 25824905.

NM_020812.4(DOCK6):c.1971+1G>T

Gene: DOCK6 (dedicator of cytokinesis 6; minus strand). Cytogenetic location: 19p13.2.
Variant type: single nucleotide variant.
Coding change: c.1971+1G>T on transcript NM_020812.4 (MANE Select); the canonical splice donor site of the intron after coding-DNA position 1971, G replaced by T.
Molecular consequence: splice donor variant.
Genome position (GRCh38, 1-based): chr19:11,237,640, C>A on the plus strand (G>T on the coding strand, the complement: DOCK6 is on the minus strand). VCF-style: chr19-11237640-C-A. GRCh37 (hg19) VCF-style: chr19-11348316-C-A.
Other names: c.1971+1G>T (NM_001367830.1).
Identifiers: ClinVar variation 2703783 (VCV002703783.3), dbSNP rs1372903813, ClinGen allele CA404101372.
Genomic context (GRCh38, chr19:11,237,640, plus strand): 5'-GTCTGCGGCCAGGTTGGGGGACGAGGAGGGCTCAGGGGGAGGGAGGGAGGGGACGGCTCA[C>A]AGTAAAGCCCACGGGTGTCTCCAGGGCAGTGCCCGGCCGGGGCTGGCAGCTGACATGGTA-3'